The following is an entry in ClinVar:

NM_000088.4(COL1A1):c.1018G>A (p.Ala340Thr)

Gene: COL1A1 (collagen type I alpha 1 chain; minus strand). Cytogenetic location: 17q21.33.
Variant type: single nucleotide variant.
Coding change: c.1018G>A on transcript NM_000088.4 (MANE Select); coding-DNA position 1018, G replaced by A.
Protein change: p.Ala340Thr; replaces alanine 340 with threonine.
Molecular consequence: missense variant.
Genome position (GRCh38, 1-based): chr17:50,195,961, C>T on the plus strand (G>A on the coding strand, the complement: COL1A1 is on the minus strand). VCF-style: chr17-50195961-C-T. GRCh37 (hg19) VCF-style: chr17-48273322-C-T.
Other names: p.Ala340Thr; short protein forms A340T.
Identifiers: ClinVar variation 707148 (VCV000707148.18), dbSNP rs773343407, ClinGen allele CA8645428.
Genomic context (GRCh38, chr17:50,195,961, plus strand): 5'-AGAGGAGAGTGGGGGGTCTCACCTTAGCACCAACAGCACCAGGGAAGCCAGGAGGACCAG[C>T]GGGGCCGGTGGGACCCTGTGAATGAAATGGAGATGTCAGCGAGAAGGAAGAGATGGCAGC-3'
Protein context (NP_000079.2, residues 330-350): AAGPPGPTGP[Ala340Thr]GPPGFPGAVG

ClinVar aggregate classification (germline): Conflicting classifications of pathogenicity. Review status: criteria provided, conflicting classifications (1 of 4 stars). 4 submissions from 4 submitters: Uncertain significance (3); Likely benign (1). Last evaluated 2026-09-26.

Conditions:
COL1A1-related disorder. Also called: COL1A1- related disease; COL1A1-related condition.
Osteogenesis imperfecta type I (OI1). Also called: Lobstein disease; OI, TYPE I; OSTEOGENESIS IMPERFECTA TARDA; OSTEOGENESIS IMPERFECTA WITH BLUE SCLERAE; Classic Non-deforming Osteogenesis Imperfecta with Blue Sclerae; Osteogenesis imperfecta type 1. Identifiers: Orphanet 216796, Orphanet 666, MedGen C0023931, MONDO:0008146, OMIM 166200. Disease mechanism: loss of function.

Allele frequency attached by ClinVar (database versions not stated): gnomAD exomes 0.00002; TOPMed 0.00002; gnomAD 0.00003; ExAC 0.00005.
gnomAD v4.1: 41 of 1,594,010 alleles (0.0026%); highest among the groups gnomAD compares: Middle Eastern, 0.016%; no homozygotes.

Submissions (4):

PreventionGenetics, part of Exact Sciences
Classification: Uncertain significance for COL1A1-related condition. Last evaluated: 2026-09-26. Review status: criteria provided, single submitter. Criteria: ACMG Guidelines, 2015. Collection method: clinical testing. Allele origin: germline.
Comment: The COL1A1 c.1018G>A variant is predicted to result in the amino acid substitution p.Ala340Thr. To our knowledge, this variant has not been reported in the literature. This variant is reported in 0.0046% of alleles in individuals of African descent in gnomAD. At this time, the clinical significance of this variant is uncertain due to the absence of conclusive functional and genetic evidence.

Labcorp Genetics (formerly Invitae), Labcorp
Classification: Likely benign for Osteogenesis imperfecta type I. Last evaluated: 2025-08-18. Review status: criteria provided, single submitter. Criteria: Invitae Variant Classification Sherloc (09022015). Collection method: clinical testing. Allele origin: germline.

GeneDx
Classification: Uncertain significance. Last evaluated: 2025-07-16. Review status: criteria provided, single submitter. Criteria: GeneDx Variant Classification Process June 2021. Collection method: clinical testing. Allele origin: germline. Affected: yes.
Comment: Has not been previously published as pathogenic or benign to our knowledge; In silico analysis suggests that this missense variant does not alter protein structure/function; Occurs in the triple helical domain at the Y position in the canonical Gly-X-Y repeat; although this variant may have an effect on normal protein folding and function, missense substitution at the Y position is not a common mechanism of disease (HGMD)

Mayo Clinic Laboratories, Mayo Clinic
Classification: Uncertain significance. Last evaluated: 2022-06-07. Review status: criteria provided, single submitter. Criteria: ACMG Guidelines, 2015. Collection method: clinical testing. Allele origin: germline. Observed: 1 variant allele.
Comment: BP4, PP2